The following is an entry in ClinVar:

NC_000016.9:g.(?_8839838)_(8905055_?)dup

Genes: ABAT (4-aminobutyrate aminotransferase; plus strand), PMM2 (phosphomannomutase 2; plus strand), TMEM186 (transmembrane protein 186; minus strand). Cytogenetic location: 16p13.2.
Variant type: Duplication.
Identifiers: ClinVar variation 2422843 (VCV002422843.3).

ClinVar aggregate classification (germline): Uncertain significance (1 of 4 stars; one submission).

Conditions:
PMM2-congenital disorder of glycosylation. Also called: PMM2-CDG; CDG Ia; JAEKEN SYNDROME; PHOSPHOMANNOMUTASE 2 DEFICIENCY; CARBOHYDRATE-DEFICIENT GLYCOPROTEIN SYNDROME, TYPE Ia; Congenital disorder of glycosylation, type Ia. Identifiers: Orphanet 79318, MedGen C0349653, MONDO:0008907, OMIM 212065.

Submission:

Labcorp Genetics (formerly Invitae), Labcorp
Classification: Uncertain significance for PMM2-congenital disorder of glycosylation. Last evaluated: 2022-09-07. Review status: criteria provided, single submitter. Criteria: Invitae Variant Classification Sherloc (09022015). Collection method: clinical testing. Allele origin: germline.
Comment: This variant results in a copy number gain of the genomic region encompassing exon(s) 1-5 of the PMM2 gene. This region includes the initiator codon of the gene. This copy number gain extends beyond the assayed region for this gene and therefore may encompass additional genes. As the precise location of this event is unknown, it may be in tandem or it may be located elsewhere in the genome. This variant has not been reported in the literature in individuals affected with PMM2-related conditions. In summary, the available evidence is currently insufficient to determine the role of this variant in disease. Therefore, it has been classified as a Variant of Uncertain Significance.